The following is an entry in ClinVar:

NM_000540.3(RYR1):c.10839C>A (p.Tyr3613Ter)

Gene: RYR1 (ryanodine receptor 1; plus strand). Cytogenetic location: 19q13.2.
Variant type: single nucleotide variant.
Coding change: c.10839C>A on transcript NM_000540.3 (MANE Select); coding-DNA position 10839, C replaced by A.
Protein change: p.Tyr3613Ter; replaces tyrosine 3613 with a stop codon.
Molecular consequence: nonsense.
Genome position (GRCh38, 1-based): chr19:38,528,320, C>A. VCF-style: chr19-38528320-C-A. GRCh37 (hg19) VCF-style: chr19-39018960-C-A.
Other names: c.10824C>A, p.Tyr3608Ter (NM_001042723.2); short protein forms Y3613*, Y3608*.
Identifiers: ClinVar variation 933499 (VCV000933499.1), dbSNP rs1052742630, ClinGen allele CA405649294.

ClinVar aggregate classification (germline): Pathogenic (1 of 4 stars; one submission).

Conditions:
RYR1-related disorder. Also called: RYR1-related disorders; RYR1-related condition. Identifiers: MedGen CN239331.

Submission:

Labcorp Genetics (formerly Invitae), Labcorp
Classification: Pathogenic for RYR1-Related Disorders. Last evaluated: 2019-10-31. Review status: criteria provided, single submitter. Criteria: Invitae Variant Classification Sherloc (09022015). Collection method: clinical testing. Allele origin: germline.
Comment: This sequence change creates a premature translational stop signal (p.Tyr3613*) in the RYR1 gene. It is expected to result in an absent or disrupted protein product. This variant is not present in population databases (ExAC no frequency). This variant has not been reported in the literature in individuals with RYR1-related conditions. Loss-of-function variants in RYR1 are known to be pathogenic (PMID: 20583297, 20839240, 23919265, 28818389). For these reasons, this variant has been classified as Pathogenic.